The following is an entry in ClinVar:

NM_000264.5(PTCH1):c.3835C>G (p.Pro1279Ala)

Gene: PTCH1 (patched 1; minus strand). Cytogenetic location: 9q22.32.
Variant type: single nucleotide variant.
Coding change: c.3835C>G on transcript NM_000264.5 (MANE Select); coding-DNA position 3835, C replaced by G.
Protein change: p.Pro1279Ala; replaces proline 1279 with alanine.
Molecular consequence: missense variant. On other transcripts: non-coding transcript variant (1).
Genome position (GRCh38, 1-based): chr9:95,447,421, G>C on the plus strand (C>G on the coding strand, the complement: PTCH1 is on the minus strand). VCF-style: chr9-95447421-G-C. GRCh37 (hg19) VCF-style: chr9-98209703-G-C.
Other names: c.3637C>G, p.Pro1213Ala (NM_001083602.3); c.3832C>G, p.Pro1278Ala (NM_001083603.3); c.3382C>G, p.Pro1128Ala (NM_001083604.3, NM_001083605.3, NM_001083606.3 and 1 more transcripts); c.3679C>G, p.Pro1227Ala (NM_001354918.2); short protein forms P1278A, P1213A, P1279A, P1128A, P1227A.
Identifiers: ClinVar variation 1735377 (VCV001735377.5), dbSNP rs1166276004, ClinGen allele CA374110824.

ClinVar aggregate classification (germline): Conflicting classifications of pathogenicity. Review status: criteria provided, conflicting classifications (1 of 4 stars). 3 submissions from 3 submitters: Uncertain significance (2); Likely benign (1). Last evaluated 2025-03-11.

Conditions:
Gorlin syndrome. Also called: Nevoid Basal Cell Carcinoma Syndrome; Basal cell nevus syndrome. Identifiers: Orphanet 377, MedGen C0004779, MONDO:0007187.
PTCH1-related disorder. Also called: PTCH1-related disorders; PTCH1-related condition.
Hereditary cancer-predisposing syndrome. Also called: Neoplastic Syndromes, Hereditary; Hereditary neoplastic syndrome; Hereditary Cancer Syndrome; Tumor predisposition. Identifiers: Orphanet 140162, MedGen C0027672, MeSH D009386, MONDO:0015356.

Allele frequency attached by ClinVar (database versions not stated): gnomAD exomes 0.00001.
gnomAD v4.1: 16 of 1,602,218 alleles (0.001%); highest among the groups gnomAD compares: Non-Finnish European, 0.0014%; no homozygotes.

Submissions (3):

Labcorp Genetics (formerly Invitae), Labcorp
Classification: Likely benign for Gorlin syndrome. Last evaluated: 2025-03-11. Review status: criteria provided, single submitter. Criteria: Invitae Variant Classification Sherloc (09022015). Collection method: clinical testing. Allele origin: germline.

PreventionGenetics, part of Exact Sciences
Classification: Uncertain significance for PTCH1-related condition. Last evaluated: 2025-01-11. Review status: criteria provided, single submitter. Criteria: ACMG Guidelines, 2015. Collection method: clinical testing. Allele origin: germline.
Comment: The PTCH1 c.3835C>G variant is predicted to result in the amino acid substitution p.Pro1279Ala. To our knowledge, this variant has not been reported in the literature. This variant is reported in 0.00092% of alleles in individuals of European (Non-Finnish) descent in gnomAD. At this time, the clinical significance of this variant is uncertain due to the absence of conclusive functional and genetic evidence.

Ambry Genetics
Classification: Uncertain significance for Hereditary cancer-predisposing syndrome. Last evaluated: 2022-10-31. Review status: criteria provided, single submitter. Criteria: Ambry Variant Classification Scheme 2023. Collection method: clinical testing. Allele origin: germline.
Comment: The p.P1279A variant (also known as c.3835C>G), located in coding exon 23 of the PTCH1 gene, results from a C to G substitution at nucleotide position 3835. The proline at codon 1279 is replaced by alanine, an amino acid with highly similar properties. This amino acid position is conserved. In addition, this alteration is predicted to be tolerated by in silico analysis. Since supporting evidence is limited at this time, the clinical significance of this alteration remains unclear.